The following is an entry in ClinVar:

ClinVar aggregate classification (germline): Likely benign. Review status: criteria provided, single submitter (1 of 4 stars). 2 submissions from 2 submitters: Likely benign (1). 1 of the submissions does not count toward it. Last evaluated 2026-01-14.

Conditions:
CHRNG-related disorder. Also called: CHRNG-related disorders; CHRNG-related condition.

Submissions (2):

Labcorp Genetics (formerly Invitae), Labcorp
Classification: Likely benign. Last evaluated: 2026-01-14. Review status: criteria provided, single submitter. Criteria: Invitae Variant Classification Sherloc (09022015). Collection method: clinical testing. Allele origin: germline.

PreventionGenetics, part of Exact Sciences
Classification: Likely benign for CHRNG-related condition. Last evaluated: 2021-11-23. Review status: no assertion criteria provided. Collection method: clinical testing. Allele origin: germline. Not counted in ClinVar's aggregate classification.
Comment: This variant is classified as likely benign based on ACMG/AMP sequence variant interpretation guidelines (Richards et al. 2015 PMID: 25741868, with internal and published modifications).

NM_005199.5(CHRNG):c.605-23CCTG[3]

Gene: CHRNG (cholinergic receptor nicotinic gamma subunit; plus strand). Cytogenetic location: 2q37.1.
Variant type: Microsatellite.
Coding change: c.605-23CCTG[3] on transcript NM_005199.5 (MANE Select); three copies in a row of the 4-base unit CCTG starting at c.605-23.
Molecular consequence: intron variant.
Genome position: GRCh38 VCF-style: chr2-232542858-TCCTG-T. GRCh37 (hg19) VCF-style: chr2-233407568-TCCTG-T.
Other names: c.605-9_605-6delTGCC (NM_005199.4).
Identifiers: ClinVar variation 3015901 (VCV003015901.5), dbSNP rs752319888, ClinGen allele CA2168736.